The following is an entry in ClinVar:

ClinVar aggregate classification (germline): Pathogenic (1 of 4 stars; one submission).

Conditions:
Achondrogenesis, type IA (ACG1A). Identifiers: Orphanet 932, Orphanet 93299, MedGen C0265273, MONDO:0008701, OMIM 200600.

Allele frequency attached by ClinVar (database versions not stated): gnomAD exomes 0.00001; TOPMed 0.00001.
gnomAD v4.1: 9 of 1,611,778 alleles (0.00056%); highest among the groups gnomAD compares: East Asian, 0.0022%; no homozygotes.

Submission:

Victorian Clinical Genetics Services, Murdoch Childrens Research Institute
Classification: Pathogenic for Achondrogenesis, type IA. Last evaluated: 2020-10-19. Review status: criteria provided, single submitter. Criteria: ACMG Guidelines, 2015. Collection method: clinical testing. Allele origin: germline. Inheritance: Autosomal recessive inheritance. Affected: no.
Comment: Based on the classification scheme VCGS_Germline_v1.3.3, this variant is classified as Pathogenic. Following criteria are met: 0102 - Loss of function is a known mechanism of disease in this gene and is associated with achondrogenesis, type IA, (MIM#200600). (I) 0106 - This gene is associated with autosomal recessive disease. (I) 0201 - Variant is predicted to cause nonsense-mediated decay (NMD) and loss of protein (premature termination codon is located at least 54 nucleotides upstream of the final exon-exon junction). (SP) 0251 - This variant is heterozygous. (I) 0304 - Variant is present in gnomAD v2 <0.01 for a recessive condition (2 heterozygotes, 0 homozygotes). (SP) 0701 - Other NMD-predicted variants comparable to the one identified in this case have very strong previous evidence for pathogenicity. Many NMD-predicted variants have been reported in patients with both achondrogenesis and osteochondrodysplasia, where the latter phenotype occurs if there is any residual enzyme activity (ClinVar, PMID: 31903676, PMID: 30728324). (SP) 0807 - This variant has no previous evidence of pathogenicity. (I) 0905 - No published segregation evidence has been identified for this variant. (I) 1007 - No published functional evidence has been identified for this variant. (I) 1208 - Inheritance information for this variant is not currently available in this individual. (I) Legend: (SP) - Supporting pathogenic, (I) - Information, (SB) - Supporting benign

Literature cited by the submitters: PubMed 30728324; PubMed 31903676.

NM_004239.4(TRIP11):c.5269C>T (p.Arg1757Ter)

Gene: TRIP11 (thyroid hormone receptor interactor 11; minus strand). Cytogenetic location: 14q32.12.
Variant type: single nucleotide variant.
Coding change: c.5269C>T on transcript NM_004239.4 (MANE Select); coding-DNA position 5269, C replaced by T.
Protein change: p.Arg1757Ter; replaces arginine 1757 with a stop codon.
Molecular consequence: nonsense.
Genome position (GRCh38, 1-based): chr14:91,976,181, G>A on the plus strand (C>T on the coding strand, the complement: TRIP11 is on the minus strand). VCF-style: chr14-91976181-G-A. GRCh37 (hg19) VCF-style: chr14-92442525-G-A.
Other names: c.5266C>T, p.Arg1756Ter (NM_001321851.1); short protein forms R1756*, R1757*.
Identifiers: ClinVar variation 1804974 (VCV001804974.1), dbSNP rs1368101093, ClinGen allele CA390644857.